The following is an entry in ClinVar:

ClinVar aggregate classification (germline): Benign. Review status: criteria provided, multiple submitters, no conflicts (2 of 4 stars). 2 submissions from 2 submitters: Benign (2). Last evaluated 2018-06-18.

Allele frequency attached by ClinVar (database versions not stated): gnomAD 0.15231 and 0.15625; TOPMed 0.16196; 1000 Genomes Project 0.16214; 1000 Genomes Project 30x 0.16646.
gnomAD v4.1: 23,043 of 152,152 alleles (15%); highest among the groups gnomAD compares: African/African-American, 35%; 2,809 homozygotes.

Submissions (2):

GeneDx
Classification: Benign. Last evaluated: 2018-06-18. Review status: criteria provided, single submitter. Criteria: GeneDx Variant Classification (06012015). Collection method: clinical testing. Allele origin: germline. Affected: yes.
Comment: This variant is considered likely benign or benign based on one or more of the following criteria: it is a conservative change, it occurs at a poorly conserved position in the protein, it is predicted to be benign by multiple in silico algorithms, and/or has population frequency not consistent with disease.

Breakthrough Genomics
Classification: Benign. Review status: criteria provided, single submitter. Criteria: ACMG Guidelines, 2015. Collection method: not provided. Allele origin: germline. Inheritance: Autosomal dominant inheritance. Affected: yes.

NM_004333.6(BRAF):c.505-172A>C

Gene: BRAF (B-Raf proto-oncogene, serine/threonine kinase; minus strand). Cytogenetic location: 7q34.
Variant type: single nucleotide variant.
Coding change: c.505-172A>C on transcript NM_004333.6 (MANE Select); 172 bases into the intron before coding-DNA position 505, A replaced by C.
Molecular consequence: intron variant.
Genome position (GRCh38, 1-based): chr7:140,809,167, T>G on the plus strand (A>C on the coding strand, the complement: BRAF is on the minus strand). VCF-style: chr7-140809167-T-G. GRCh37 (hg19) VCF-style: chr7-140508967-T-G.
Other names: c.505-172A>C (NM_001378474.1, NM_001378471.1, NM_001378468.1 and 5 more transcripts); c.403-172A>C (NM_001378470.1); c.241-172A>C (NM_001378475.1); c.349-172A>C (NM_001378472.1, NM_001378473.1).
Identifiers: ClinVar variation 561431 (VCV000561431.2), dbSNP rs57143942, ClinGen allele CA168114789.